The following is an entry in ClinVar:

NM_006204.4(PDE6C):c.2519C>T (p.Ala840Val)

Gene: PDE6C (phosphodiesterase 6C; plus strand). Cytogenetic location: 10q23.33.
Variant type: single nucleotide variant.
Coding change: c.2519C>T on transcript NM_006204.4 (MANE Select); coding-DNA position 2519, C replaced by T.
Protein change: p.Ala840Val; replaces alanine 840 with valine.
Molecular consequence: missense variant.
Genome position (GRCh38, 1-based): chr10:93,665,360, C>T. VCF-style: chr10-93665360-C-T. GRCh37 (hg19) VCF-style: chr10-95425117-C-T.
Other names: short protein forms A840V.
Identifiers: ClinVar variation 1931189 (VCV001931189.3), dbSNP rs781098414, ClinGen allele CA5610531.
Genomic context (GRCh38, chr10:93,665,360, plus strand): 5'-GAATAAAAACACTGTATATCCACTAACTCCTAATAATATTGCTTTCCTTGATTTTACTAG[C>T]TGCTGAAGATTCAGGAGGTGGTGATGACAAAAAGTCCAAAACATGTTTAATGTTGTAATA-3'
Protein context (NP_006195.3, residues 830-850): AKKQEGGAEK[Ala840Val]AEDSGGGDDK

ClinVar aggregate classification (germline): Uncertain significance (1 of 4 stars; one submission).

Allele frequency attached by ClinVar (database versions not stated): ExAC 0.00002; TOPMed 0.00002; gnomAD exomes 0.00003.
gnomAD v4.1: 45 of 1,607,030 alleles (0.0028%); highest among the groups gnomAD compares: Non-Finnish European, 0.0037%; no homozygotes.

Submission:

Labcorp Genetics (formerly Invitae), Labcorp
Classification: Uncertain significance. Last evaluated: 2022-05-15. Review status: criteria provided, single submitter. Criteria: Invitae Variant Classification Sherloc (09022015). Collection method: clinical testing. Allele origin: germline.
Comment: This sequence change replaces alanine, which is neutral and non-polar, with valine, which is neutral and non-polar, at codon 840 of the PDE6C protein (p.Ala840Val). This variant is present in population databases (rs781098414, gnomAD 0.002%). This variant has not been reported in the literature in individuals affected with PDE6C-related conditions. Algorithms developed to predict the effect of missense changes on protein structure and function output the following: SIFT: "Tolerated"; PolyPhen-2: "Benign"; Align-GVGD: "Class C0". The valine amino acid residue is found in multiple mammalian species, which suggests that this missense change does not adversely affect protein function. In summary, the available evidence is currently insufficient to determine the role of this variant in disease. Therefore, it has been classified as a Variant of Uncertain Significance.